The following is an entry in ClinVar:

NM_005050.4(ABCD4):c.384G>A (p.Ala128=)

Gene: ABCD4 (ATP binding cassette subfamily D member 4; minus strand). Cytogenetic location: 14q24.3.
Variant type: single nucleotide variant.
Coding change: c.384G>A on transcript NM_005050.4 (MANE Select); coding-DNA position 384, G replaced by A.
Protein change: p.Ala128=; no amino-acid change (alanine 128 retained).
Molecular consequence: synonymous variant. On other transcripts: 5 prime UTR variant (12), non-coding transcript variant (8), intron variant (5).
Genome position (GRCh38, 1-based): chr14:74,297,971, C>T on the plus strand (G>A on the coding strand, the complement: ABCD4 is on the minus strand). VCF-style: chr14-74297971-C-T. GRCh37 (hg19) VCF-style: chr14-74764674-C-T.
Other names: c.384G>A, p.Ala128= (NM_001353591.2, NM_001353592.2, NM_020325.3); c.123G>A, p.Ala41= (NM_001353593.2, NM_001353594.2); c.-26G>A (NM_001353595.2, NM_001353596.2, NM_001353597.2); c.-94G>A (NM_001353598.2, NM_001353600.2); c.-306G>A (NM_001353602.2); c.-311G>A (NM_001353603.2, NM_001353605.2, NM_001353606.2 and 3 more transcripts); c.255G>A, p.Ala85= (NM_020323.1); c.-269-1522G>A (NM_001353604.2); and 2 more.
Identifiers: ClinVar variation 2162590 (VCV002162590.4), dbSNP rs376619713, ClinGen allele CA7267241.

ClinVar aggregate classification (germline): Uncertain significance (1 of 4 stars; one submission).

Conditions:
Methylmalonic acidemia with homocystinuria, type cblJ (MAHCJ). Also called: METHYLMALONIC ACIDURIA AND HOMOCYSTINURIA, cblJ TYPE. Identifiers: Orphanet 369955, MedGen C3553915, MONDO:0013925, OMIM 614857.

Allele frequency attached by ClinVar (database versions not stated): gnomAD exomes 0.00001; ExAC 0.00002; gnomAD 0.00008; ESP Exome Variant Server 0.00015.
gnomAD v4.1: 32 of 1,613,894 alleles (0.002%); highest among the groups gnomAD compares: African/African-American, 0.021%; no homozygotes.

Submission:

Labcorp Genetics (formerly Invitae), Labcorp
Classification: Uncertain significance for Methylmalonic acidemia with homocystinuria, type cblJ. Last evaluated: 2023-05-08. Review status: criteria provided, single submitter. Criteria: Invitae Variant Classification Sherloc (09022015). Collection method: clinical testing. Allele origin: germline.
Comment: In summary, the available evidence is currently insufficient to determine the role of this variant in disease. Therefore, it has been classified as a Variant of Uncertain Significance. Algorithms developed to predict the effect of sequence changes on RNA splicing suggest that this variant may disrupt the consensus splice site. ClinVar contains an entry for this variant (Variation ID: 2162590). This variant has not been reported in the literature in individuals affected with ABCD4-related conditions. This variant is present in population databases (rs376619713, gnomAD 0.03%). This sequence change affects codon 128 of the ABCD4 mRNA. It is a 'silent' change, meaning that it does not change the encoded amino acid sequence of the ABCD4 protein.